The following is an entry in ClinVar:

ClinVar aggregate classification (germline): Uncertain significance (1 of 4 stars; one submission).

Conditions:
Catecholaminergic polymorphic ventricular tachycardia 1. Also called: RYR2-Related Catecholaminergic Polymorphic Ventricular Tachycardia; VENTRICULAR TACHYCARDIA, CATECHOLAMINERGIC POLYMORPHIC, 1, WITH OR WITHOUT ATRIAL DYSFUNCTION AND/OR DILATED CARDIOMYOPATHY; VENTRICULAR TACHYCARDIA, STRESS-INDUCED POLYMORPHIC 1. Identifiers: Orphanet 3286, MedGen C1631597, MONDO:0011484, OMIM 604772.

Submission:

Labcorp Genetics (formerly Invitae), Labcorp
Classification: Uncertain significance for Catecholaminergic polymorphic ventricular tachycardia 1. Last evaluated: 2025-04-23. Review status: criteria provided, single submitter. Criteria: Invitae Variant Classification Sherloc (09022015). Collection method: clinical testing. Allele origin: germline.
Comment: This sequence change replaces proline, which is neutral and non-polar, with serine, which is neutral and polar, at codon 254 of the CASQ2 protein (p.Pro254Ser). This variant is not present in population databases (gnomAD no frequency). This variant has not been reported in the literature in individuals affected with CASQ2-related conditions. Invitae Evidence Modeling of protein sequence and biophysical properties (such as structural, functional, and spatial information, amino acid conservation, physicochemical variation, residue mobility, and thermodynamic stability) has been performed for this missense variant. However, the output from this modeling did not meet the statistical confidence thresholds required to predict the impact of this variant on CASQ2 protein function. In summary, the available evidence is currently insufficient to determine the role of this variant in disease. Therefore, it has been classified as a Variant of Uncertain Significance.

NM_001232.4(CASQ2):c.760C>T (p.Pro254Ser)

Gene: CASQ2 (calsequestrin 2; minus strand). Cytogenetic location: 1p13.1.
Variant type: single nucleotide variant.
Coding change: c.760C>T on transcript NM_001232.4 (MANE Select); coding-DNA position 760, C replaced by T.
Protein change: p.Pro254Ser; replaces proline 254 with serine.
Molecular consequence: missense variant.
Genome position (GRCh38, 1-based): chr1:115,725,531, G>A on the plus strand (C>T on the coding strand, the complement: CASQ2 is on the minus strand). VCF-style: chr1-115725531-G-A. GRCh37 (hg19) VCF-style: chr1-116268152-G-A.
Other names: short protein forms P254S.
Identifiers: ClinVar variation 4704563 (VCV004704563.1).
Genomic context (GRCh38, chr1:115,725,531, plus strand): 5'-ATCTCTACAAGGCAAAGAGAGTTTGCCTCTTTCTTACCCATGTTTCAAACATTTCTTCTG[G>A]GCGCAGGCGACGTAGAGTGGGTCTGGAAAAAAAAAAAAAAAAAAAAAAAGAAAGAGCTTC-3'
Protein context (NP_001223.2, residues 244-264): HQRPTLRRLR[Pro254Ser]EEMFETWEDD